The following is an entry in ClinVar:

NM_000548.5(TSC2):c.384G>T (p.Lys128Asn)

Gene: TSC2 (TSC complex subunit 2; plus strand). Cytogenetic location: 16p13.3.
Variant type: single nucleotide variant.
Coding change: c.384G>T on transcript NM_000548.5 (MANE Select); coding-DNA position 384, G replaced by T.
Protein change: p.Lys128Asn; replaces lysine 128 with asparagine.
Molecular consequence: missense variant. On other transcripts: intron variant (1).
Genome position (GRCh38, 1-based): chr16:2,054,343, G>T. VCF-style: chr16-2054343-G-T. GRCh37 (hg19) VCF-style: chr16-2104344-G-T.
Other names: c.384G>T, p.Lys128Asn (NM_001077183.3, NM_001114382.3, NM_001363528.2 and 3 more transcripts); c.273G>T, p.Lys91Asn (NM_001318827.2); c.237G>T, p.Lys79Asn (NM_001318829.2); c.417G>T, p.Lys139Asn (NM_001318832.2); c.-1-1853G>T (NM_001318831.2); short protein forms K128N, K139N, K79N, K91N.
Identifiers: ClinVar variation 578706 (VCV000578706.11), dbSNP rs748095129, ClinGen allele CA048888.

ClinVar aggregate classification (germline): Conflicting classifications of pathogenicity. Review status: criteria provided, conflicting classifications (1 of 4 stars). 3 submissions from 3 submitters: Uncertain significance (2); Benign (1). Last evaluated 2025-10-14.

Conditions:
Hereditary cancer-predisposing syndrome. Also called: Hereditary neoplastic syndrome; Tumor predisposition; Hereditary Cancer Syndrome; Neoplastic Syndromes, Hereditary. Identifiers: Orphanet 140162, MedGen C0027672, MeSH D009386, MONDO:0015356.
Tuberous sclerosis syndrome (TSC). Also called: Tuberous Sclerosis Complex; Tuberous sclerosis. Identifiers: Orphanet 805, MedGen C0041341, MONDO:0001734.
Tuberous sclerosis 2 (TSC2). Identifiers: Orphanet 805, MedGen C1860707, MONDO:0013199, OMIM 613254.

Allele frequency attached by ClinVar (database versions not stated): gnomAD exomes below 0.00001; gnomAD 0.00001; ExAC 0.00002.

Submissions (3):

Labcorp Genetics (formerly Invitae), Labcorp
Classification: Benign for Tuberous sclerosis 2. Last evaluated: 2025-10-14. Review status: criteria provided, single submitter. Criteria: Invitae Variant Classification Sherloc (09022015). Collection method: clinical testing. Allele origin: germline.

Ambry Genetics
Classification: Uncertain significance for Hereditary cancer-predisposing syndrome. Last evaluated: 2024-07-15. Review status: criteria provided, single submitter. Criteria: Ambry Variant Classification Scheme 2023. Collection method: clinical testing. Allele origin: germline.
Comment: The p.K128N variant (also known as c.384G>T), located in coding exon 4 of the TSC2 gene, results from a G to T substitution at nucleotide position 384. The lysine at codon 128 is replaced by asparagine, an amino acid with similar properties. This amino acid position is not well conserved in available vertebrate species. In addition, the in silico prediction for this alteration is inconclusive. Since supporting evidence is limited at this time, the clinical significance of this alteration remains unclear.

All of Us Research Program, National Institutes of Health
Classification: Uncertain significance for Tuberous sclerosis syndrome. Last evaluated: 2023-11-02. Review status: criteria provided, single submitter. Criteria: ACMG Guidelines, 2015. Collection method: clinical testing. Allele origin: germline. Inheritance: Autosomal dominant inheritance. Observed: 3 variant alleles, 3 heterozygotes.
Comment: This missense variant replaces lysine with asparagine at codon 128 of the TSC2 protein. Computational prediction suggests that this variant may not impact protein structure and function (internally defined REVEL score threshold <= 0.5, PMID: 27666373). To our knowledge, functional studies have not been reported for this variant. This variant has not been reported in individuals affected with tuberous sclerosis complex in the literature. This variant has been identified in 1/251476 chromosomes in the general population by the Genome Aggregation Database (gnomAD). The available evidence is insufficient to determine the role of this variant in disease conclusively. Therefore, this variant is classified as a Variant of Uncertain Significance.

This study involves interpretation of variants in research participants for the purpose of population health screening. Participant phenotype was not available at the time of variant classification. Additional details can be found in publication PMID: 35346344, PMCID: PMC8962531